The following is an entry in ClinVar:

NM_002335.4(LRP5):c.4286G>C (p.Gly1429Ala)

Gene: LRP5 (LDL receptor related protein 5; plus strand). Cytogenetic location: 11q13.2.
Variant type: single nucleotide variant.
Coding change: c.4286G>C on transcript NM_002335.4 (MANE Select); coding-DNA position 4286, G replaced by C.
Protein change: p.Gly1429Ala; replaces glycine 1429 with alanine.
Molecular consequence: missense variant.
Genome position (GRCh38, 1-based): chr11:68,438,620, G>C. VCF-style: chr11-68438620-G-C. GRCh37 (hg19) VCF-style: chr11-68206088-G-C.
Other names: c.2543G>C, p.Gly848Ala (NM_001291902.2); short protein forms G1429A, G848A.
Identifiers: ClinVar variation 998884 (VCV000998884.8), dbSNP rs763129542, ClinGen allele CA6150304.

ClinVar aggregate classification (germline): Uncertain significance (1 of 4 stars; one submission).

Allele frequency attached by ClinVar (database versions not stated): ExAC 0.00001; gnomAD 0.00001; gnomAD exomes 0.00001; TOPMed 0.00001.
gnomAD v4.1: 24 of 1,613,628 alleles (0.0015%); highest among the groups gnomAD compares: Non-Finnish European, 0.0019%; no homozygotes.

Submission:

Labcorp Genetics (formerly Invitae), Labcorp
Classification: Uncertain significance. Last evaluated: 2024-12-09. Review status: criteria provided, single submitter. Criteria: Invitae Variant Classification Sherloc (09022015). Collection method: clinical testing. Allele origin: germline.
Comment: This sequence change replaces glycine, which is neutral and non-polar, with alanine, which is neutral and non-polar, at codon 1429 of the LRP5 protein (p.Gly1429Ala). This variant is present in population databases (rs763129542, gnomAD 0.003%). This variant has not been reported in the literature in individuals affected with LRP5-related conditions. ClinVar contains an entry for this variant (Variation ID: 998884). Invitae Evidence Modeling of protein sequence and biophysical properties (such as structural, functional, and spatial information, amino acid conservation, physicochemical variation, residue mobility, and thermodynamic stability) indicates that this missense variant is not expected to disrupt LRP5 protein function with a negative predictive value of 95%. In summary, the available evidence is currently insufficient to determine the role of this variant in disease. Therefore, it has been classified as a Variant of Uncertain Significance.